The following is an entry in ClinVar:

ClinVar aggregate classification (germline): Conflicting classifications of pathogenicity. Review status: criteria provided, conflicting classifications (1 of 4 stars). 2 submissions from 2 submitters: Uncertain significance (1); Likely benign (1). Last evaluated 2024-12-22.

Conditions:
Inborn genetic diseases. Identifiers: MedGen C0950123, MeSH D030342.

Allele frequency attached by ClinVar (database versions not stated): gnomAD 0.00003 and 0.00004.
gnomAD v4.1: 71 of 1,592,632 alleles (0.0045%); highest among the groups gnomAD compares: Admixed American, 0.0084%; no homozygotes.

Submissions (2):

Labcorp Genetics (formerly Invitae), Labcorp
Classification: Uncertain significance. Last evaluated: 2024-12-22. Review status: criteria provided, single submitter. Criteria: Invitae Variant Classification Sherloc (09022015). Collection method: clinical testing. Allele origin: germline.
Comment: This sequence change replaces alanine, which is neutral and non-polar, with threonine, which is neutral and polar, at codon 46 of the GMNN protein (p.Ala46Thr). This variant is present in population databases (rs150391376, gnomAD 0.01%). This variant has not been reported in the literature in individuals affected with GMNN-related conditions. ClinVar contains an entry for this variant (Variation ID: 1062399). An algorithm developed to predict the effect of missense changes on protein structure and function outputs the following: PolyPhen-2: "Benign". The threonine amino acid residue is found in multiple mammalian species, which suggests that this missense change does not adversely affect protein function. In summary, the available evidence is currently insufficient to determine the role of this variant in disease. Therefore, it has been classified as a Variant of Uncertain Significance.

Ambry Genetics
Classification: Likely benign for Inborn genetic diseases. Last evaluated: 2024-05-15. Review status: criteria provided, single submitter. Criteria: Ambry Variant Classification Scheme 2023. Collection method: clinical testing. Allele origin: germline.

NM_015895.5(GMNN):c.136G>A (p.Ala46Thr)

Gene: GMNN (geminin DNA replication inhibitor; plus strand). Cytogenetic location: 6p22.3.
Variant type: single nucleotide variant.
Coding change: c.136G>A on transcript NM_015895.5 (MANE Select); coding-DNA position 136, G replaced by A.
Protein change: p.Ala46Thr; replaces alanine 46 with threonine.
Molecular consequence: missense variant.
Genome position (GRCh38, 1-based): chr6:24,781,483, G>A. VCF-style: chr6-24781483-G-A. GRCh37 (hg19) VCF-style: chr6-24781711-G-A.
Other names: c.136G>A (NM_015895.3); c.136G>A, p.Ala46Thr (NM_001251989.2, NM_001251990.2, NM_001251991.1); short protein forms A46T.
Identifiers: ClinVar variation 1062399 (VCV001062399.11), dbSNP rs150391376, ClinGen allele CA3658840.